The following is an entry in ClinVar:

ClinVar aggregate classification (germline): Conflicting classifications of pathogenicity. Review status: criteria provided, conflicting classifications (1 of 4 stars). 7 submissions from 7 submitters: Pathogenic (2); Likely pathogenic (3); Uncertain significance (1). 1 of the submissions does not count toward it. Last evaluated 2025-08-25.

Conditions:
Alexander disease (ALXDRD). Also called: Alexander's disease. Identifiers: Orphanet 58, MedGen C0270726, MONDO:0008752, OMIM 203450.

Allele frequency attached by ClinVar (database versions not stated): gnomAD exomes below 0.00001.

Submissions (7):

Daryl Scott Lab, Baylor College of Medicine
Classification: Pathogenic for Alexander disease. Last evaluated: 2025-08-25. Review status: criteria provided, single submitter. Criteria: ACMG Guidelines, 2015. Collection method: clinical testing. Allele origin: unknown. Affected: yes. Observed: 1 heterozygote.
Comment: PS3, PS4, PM2, PP3

Labcorp Genetics (formerly Invitae), Labcorp
Classification: Pathogenic. Last evaluated: 2024-10-15. Review status: criteria provided, single submitter. Criteria: Invitae Variant Classification Sherloc (09022015). Collection method: clinical testing. Allele origin: germline.
Comment: This sequence change replaces arginine, which is basic and polar, with glutamine, which is neutral and polar, at codon 66 of the GFAP protein (p.Arg66Gln). This variant is not present in population databases (gnomAD no frequency). This missense change has been observed in individuals with clinical features of adult-onset Alexander disease (PMID: 21917775, 22619055, 24188966; internal data). ClinVar contains an entry for this variant (Variation ID: 190332). Invitae Evidence Modeling of protein sequence and biophysical properties (such as structural, functional, and spatial information, amino acid conservation, physicochemical variation, residue mobility, and thermodynamic stability) indicates that this missense variant is expected to disrupt GFAP protein function with a positive predictive value of 80%. For these reasons, this variant has been classified as Pathogenic.

GeneDx
Classification: Likely pathogenic. Last evaluated: 2023-10-05. Review status: criteria provided, single submitter. Criteria: GeneDx Variant Classification Process June 2021. Collection method: clinical testing. Allele origin: germline. Affected: yes.
Comment: Published functional studies demonstrate a damaging effect on GFAP assembly and filament formation (Fu et al., 2020); In silico analysis supports that this missense variant has a deleterious effect on protein structure/function; Not observed at significant frequency in large population cohorts (gnomAD); This variant is associated with the following publications: (PMID: 29421207, 24188966, 22619055, 36088400, 37396762, 32374915, 34012265, 21917775)

3billion
Classification: Likely pathogenic for Alexander disease. Last evaluated: 2022-03-22. Review status: criteria provided, single submitter. Criteria: ACMG Guidelines, 2015. Collection method: clinical testing. Allele origin: germline. Affected: yes. Observed: 1 heterozygote.
Comment: Same nucleotide change resulting in same amino acid change has been previously reported to be associated with GFAP related disorder (PMID:21917775). A different missense change at the same codon has been reported as pathogenic/likely pathogenic with strong evidence (ClinVar ID: VCV000372607). The variant is located in a mutational hot spot and/or well-established functional domain in which established pathogenic variants have been reported. In silico tool predictions suggest damaging effect of the variant on gene or gene product (REVEL: 0.887>=0.6). A missense variant is a common mechanism. It is not observed in the gnomAD v2.1.1 dataset. Therefore, this variant is classified as likely pathogenic according to the recommendation of ACMG/AMP guideline.

Baylor Genetics
Classification: Uncertain significance for Alexander disease. Last evaluated: 2020-04-14. Review status: criteria provided, single submitter. Criteria: ACMG Guidelines, 2015. Collection method: clinical testing. Allele origin: unknown. Affected: yes.
Comment: This variant was determined to be of uncertain significance according to ACMG Guidelines, 2015 [PMID:25741868]. This variant has been previously reported in patients with adult-onset Alexander disease [PMID: 22619055, 24188966, 21917775, ClinVar ID: 190332]

Athena Diagnostics
Classification: Likely pathogenic. Last evaluated: 2020-03-13. Review status: criteria provided, single submitter. Criteria: Athena Diagnostics Criteria. Collection method: clinical testing. Allele origin: unknown.
Comment: Not found in the total gnomAD dataset, and the data is high quality. Predicted to have a damaging effect on the protein. Identified in multiple patients with features consistent with Alexander Disease, including one individual with Rosenthal fibers identified postmortem. Rosenthal fibers are the pathognomonic feature of the astrocyte pathology in Alexander Disease. Thus, this highly specific finding is suggestive of this variants pathogenicity.

GeneReviews
No classification provided. Condition: Alexander disease. Review status: no classification provided. Collection method: literature only. Allele origin: germline. Not counted in ClinVar's aggregate classification.

Literature cited by the submitters: PubMed 21917775 (cited by 5 submitters); PubMed 22619055 (cited by 4 submitters); PubMed 24188966 (cited by 4 submitters); PubMed 29421207 (cited by Athena Diagnostics); NCBI Bookshelf NBK1172 (cited by GeneReviews).

NM_002055.5(GFAP):c.197G>A (p.Arg66Gln)

Gene: GFAP (glial fibrillary acidic protein; minus strand). Cytogenetic location: 17q21.31.
Variant type: single nucleotide variant.
Coding change: c.197G>A on transcript NM_002055.5 (MANE Select); coding-DNA position 197, G replaced by A.
Protein change: p.Arg66Gln; replaces arginine 66 with glutamine.
Molecular consequence: missense variant.
Genome position (GRCh38, 1-based): chr17:44,915,290, C>T on the plus strand (G>A on the coding strand, the complement: GFAP is on the minus strand). VCF-style: chr17-44915290-C-T. GRCh37 (hg19) VCF-style: chr17-42992658-C-T.
Other names: c.197G>A, p.Arg66Gln (NM_001131019.3, NM_001242376.3, NM_001363846.2); short protein forms R66Q.
Identifiers: ClinVar variation 190332 (VCV000190332.10), dbSNP rs797044569, ClinGen allele CA347183.